The following is an entry in ClinVar:

NM_001348768.2(HECW2):c.4651T>G (p.Ser1551Ala)

Gene: HECW2 (HECT, C2 and WW domain containing E3 ubiquitin protein ligase 2; minus strand). Cytogenetic location: 2q32.3.
Variant type: single nucleotide variant.
Coding change: c.4651T>G on transcript NM_001348768.2 (MANE Select); coding-DNA position 4651, T replaced by G.
Protein change: p.Ser1551Ala; replaces serine 1551 with alanine.
Molecular consequence: missense variant.
Genome position (GRCh38, 1-based): chr2:196,201,345, A>C on the plus strand (T>G on the coding strand, the complement: HECW2 is on the minus strand). VCF-style: chr2-196201345-A-C. GRCh37 (hg19) VCF-style: chr2-197066069-A-C.
Other names: c.3583T>G, p.Ser1195Ala (NM_001304840.3); c.4651T>G, p.Ser1551Ala (NM_020760.4); short protein forms S1195A, S1551A.
Identifiers: ClinVar variation 3764313 (VCV003764313.1).
Genomic context (GRCh38, chr2:196,201,345, plus strand): 5'-GTCCAAAAGTACTGGTTTCTTCAACTGCTGTCAACAGTTTTTCATAAAGCATGGAAAAGG[A>C]TGGGTAGGGAGGCAGATCCAGACGGTTAAAACATGTATGCGCTCTGAAAACACAAGAAAC-3'
Protein context (NP_001335697.1, residues 1541-1561): FNRLDLPPYP[Ser1551Ala]FSMLYEKLLT

ClinVar aggregate classification (germline): Uncertain significance (1 of 4 stars; one submission).

Submission:

GeneDx
Classification: Uncertain significance. Last evaluated: 2024-08-19. Review status: criteria provided, single submitter. Criteria: GeneDx Variant Classification Process June 2021. Collection method: clinical testing. Allele origin: germline. Affected: yes.
Comment: Not observed at significant frequency in large population cohorts (gnomAD); In silico analysis indicates that this missense variant does not alter protein structure/function; Has not been previously published as pathogenic or benign to our knowledge